The following is an entry in ClinVar:

NM_017780.4(CHD7):c.8776G>A (p.Gly2926Arg)

Gene: CHD7 (chromodomain helicase DNA binding protein 7; plus strand). Cytogenetic location: 8q12.2.
Variant type: single nucleotide variant.
Coding change: c.8776G>A on transcript NM_017780.4 (MANE Select); coding-DNA position 8776, G replaced by A.
Protein change: p.Gly2926Arg; replaces glycine 2926 with arginine.
Molecular consequence: missense variant.
Genome position (GRCh38, 1-based): chr8:60,865,715, G>A. VCF-style: chr8-60865715-G-A. GRCh37 (hg19) VCF-style: chr8-61778274-G-A.
Other names: c.2629G>A, p.Gly877Arg (NM_001316690.1); c.8776G>A (NM_017780.3); short protein forms G2926R, G877R.
Identifiers: ClinVar variation 1045450 (VCV001045450.10), dbSNP rs1806214950, ClinGen allele CA371311755.

ClinVar aggregate classification (germline): Uncertain significance. Review status: criteria provided, multiple submitters, no conflicts (2 of 4 stars). 2 submissions from 2 submitters: Uncertain significance (2). Last evaluated 2023-05-23.

Conditions:
CHARGE syndrome (CHARGE). Also called: Hittner Hirsch Kreh syndrome; Coloboma, heart anomaly, choanal atresia, retardation, genital and ear anomalies; CHARGE association; Hall-Hittner syndrome; CHARGE ASSOCIATION--COLOBOMA, HEART ANOMALY, CHOANAL ATRESIA, RETARDATION, GENITAL AND EAR ANOMALIES. Identifiers: Orphanet 138, MedGen C0265354, MONDO:0008965.
Inborn genetic diseases. Identifiers: MedGen C0950123, MeSH D030342.

Allele frequency attached by ClinVar (database versions not stated): gnomAD exomes 0.00001; TOPMed 0.00001.

Submissions (2):

Ambry Genetics
Classification: Uncertain significance for Inborn genetic diseases. Last evaluated: 2023-05-23. Review status: criteria provided, single submitter. Criteria: Ambry Variant Classification Scheme 2023. Collection method: clinical testing. Allele origin: germline.

Labcorp Genetics (formerly Invitae), Labcorp
Classification: Uncertain significance for CHARGE syndrome. Last evaluated: 2020-09-09. Review status: criteria provided, single submitter. Criteria: Invitae Variant Classification Sherloc (09022015). Collection method: clinical testing. Allele origin: germline.
Comment: This variant is not present in population databases (ExAC no frequency). This sequence change replaces glycine with arginine at codon 2926 of the CHD7 protein (p.Gly2926Arg). The glycine residue is highly conserved and there is a moderate physicochemical difference between glycine and arginine. In summary, the available evidence is currently insufficient to determine the role of this variant in disease. Therefore, it has been classified as a Variant of Uncertain Significance. Advanced modeling of protein sequence and biophysical properties (such as structural, functional, and spatial information, amino acid conservation, physicochemical variation, residue mobility, and thermodynamic stability) performed at Invitae indicates that this missense variant is not expected to disrupt CHD7 protein function. This variant has not been reported in the literature in individuals with CHD7-related conditions.